The following is an entry in ClinVar:

ClinVar aggregate classification (germline): Benign/Likely benign. Review status: criteria provided, multiple submitters, no conflicts (2 of 4 stars). 2 submissions from 2 submitters: Benign (1); Likely benign (1). Last evaluated 2024-12-27.

Conditions:
Lynch syndrome 5 (LYNCH5). Also called: Colorectal cancer, hereditary nonpolyposis, type 5; Hereditary non-polyposis colorectal cancer, type 5. Identifiers: Orphanet 144, MedGen C1833477, MONDO:0013710, OMIM 614350. Disease mechanism: loss of function.
Lynch syndrome. Identifiers: Orphanet 144, MedGen C4552100, MONDO:0005835. Disease mechanism: loss of function.

Allele frequency attached by ClinVar (database versions not stated): gnomAD exomes below 0.00001.
gnomAD v4.1: 1 of 1,614,216 alleles (0.000062%); highest among the groups gnomAD compares: South Asian, 0.0011%; no homozygotes.

Submissions (2):

Myriad Genetics, Inc.
Classification: Benign for Lynch syndrome 5. Last evaluated: 2024-12-27. Review status: criteria provided, single submitter. Criteria: Myriad Autosomal Dominant, Autosomal Recessive and X-Linked Classification Criteria (2023). Collection method: clinical testing. Allele origin: unknown.
Comment: This variant is considered benign. This variant is a silent/synonymous amino acid change and it is not expected to impact splicing.

All of Us Research Program, National Institutes of Health
Classification: Likely benign for Lynch syndrome. Last evaluated: 2023-09-17. Review status: criteria provided, single submitter. Criteria: ACMG Guidelines, 2015. Collection method: clinical testing. Allele origin: germline. Inheritance: Autosomal dominant inheritance. Observed: 1 variant allele, 1 heterozygote.
Comment: This study involves interpretation of variants in research participants for the purpose of population health screening. Participant phenotype was not available at the time of variant classification. Additional details can be found in publication PMID: 35346344, PMCID: PMC8962531

NM_000179.3(MSH6):c.1686T>C (p.Asp562=)

Gene: MSH6 (mutS homolog 6; plus strand). Cytogenetic location: 2p16.3.
Variant type: single nucleotide variant.
Coding change: c.1686T>C on transcript NM_000179.3 (MANE Select); coding-DNA position 1686, T replaced by C.
Protein change: p.Asp562=; no amino-acid change (aspartic acid 562 retained).
Molecular consequence: synonymous variant. On other transcripts: non-coding transcript variant (4), intron variant (2).
Genome position (GRCh38, 1-based): chr2:47,799,669, T>C. VCF-style: chr2-47799669-T-C. GRCh37 (hg19) VCF-style: chr2-48026808-T-C.
Other names: c.1296T>C, p.Asp432= (NM_001281492.2); c.780T>C, p.Asp260= (NM_001281493.2, NM_001281494.2, NM_001406811.1 and 6 more transcripts); c.1782T>C, p.Asp594= (NM_001406795.1, NM_001406802.1); c.1686T>C, p.Asp562= (NM_001406796.1, NM_001406798.1, NM_001406800.1 and 3 more transcripts); c.1389T>C, p.Asp463= (NM_001406797.1, NM_001406801.1, NM_001406805.1 and 10 more transcripts); c.1161T>C, p.Asp387= (NM_001406799.1, NM_001406806.1, NM_001406807.1); c.1608T>C, p.Asp536= (NM_001406804.1); c.1692T>C, p.Asp564= (NM_001406813.1); and 3 more.
Identifiers: ClinVar variation 3073403 (VCV003073403.2), dbSNP rs2104360615, ClinGen allele CA426121505.